The following is an entry in ClinVar:

ClinVar aggregate classification (germline): Uncertain significance (1 of 4 stars; one submission).

gnomAD v4.1: 2 of 1,614,174 alleles (0.00012%); highest among the groups gnomAD compares: Non-Finnish European, 0.00017%; no homozygotes.

Submission:

Labcorp Genetics (formerly Invitae), Labcorp
Classification: Uncertain significance. Last evaluated: 2024-05-29. Review status: criteria provided, single submitter. Criteria: Invitae Variant Classification Sherloc (09022015). Collection method: clinical testing. Allele origin: germline.
Comment: This sequence change replaces threonine, which is neutral and polar, with arginine, which is basic and polar, at codon 1285 of the IGSF10 protein (p.Thr1285Arg). This variant is not present in population databases (gnomAD no frequency). This variant has not been reported in the literature in individuals affected with IGSF10-related conditions. ClinVar contains an entry for this variant (Variation ID: 2037713). Algorithms developed to predict the effect of missense changes on protein structure and function output the following: SIFT: "Not Available"; PolyPhen-2: "Benign"; Align-GVGD: "Not Available". The arginine amino acid residue is found in multiple mammalian species, which suggests that this missense change does not adversely affect protein function. In summary, the available evidence is currently insufficient to determine the role of this variant in disease. Therefore, it has been classified as a Variant of Uncertain Significance.

NM_178822.5(IGSF10):c.3854C>G (p.Thr1285Arg)

Gene: IGSF10 (immunoglobulin superfamily member 10; minus strand). Cytogenetic location: 3q25.1.
Variant type: single nucleotide variant.
Coding change: c.3854C>G on transcript NM_178822.5 (MANE Select); coding-DNA position 3854, C replaced by G.
Protein change: p.Thr1285Arg; replaces threonine 1285 with arginine.
Molecular consequence: missense variant.
Genome position (GRCh38, 1-based): chr3:151,446,127, G>C on the plus strand (C>G on the coding strand, the complement: IGSF10 is on the minus strand). VCF-style: chr3-151446127-G-C. GRCh37 (hg19) VCF-style: chr3-151163915-G-C.
Other names: c.3854C>G, p.Thr1285Arg (NM_001385060.1, NM_001385061.1, NM_001385062.1 and 1 more transcripts); short protein forms T1285R.
Identifiers: ClinVar variation 2037713 (VCV002037713.4), dbSNP rs1171255428, ClinGen allele CA354997235.